The following is an entry in ClinVar:

NM_017636.4(TRPM4):c.1744-1G>C

Gene: TRPM4 (transient receptor potential cation channel subfamily M member 4; plus strand). Cytogenetic location: 19q13.33.
Variant type: single nucleotide variant.
Coding change: c.1744-1G>C on transcript NM_017636.4 (MANE Select); the canonical splice acceptor site of the intron before coding-DNA position 1744, G replaced by C.
Molecular consequence: splice acceptor variant.
Genome position (GRCh38, 1-based): chr19:49,188,640, G>C. VCF-style: chr19-49188640-G-C. GRCh37 (hg19) VCF-style: chr19-49691897-G-C.
Other names: c.1744-1G>C (NM_001195227.2); c.136-1G>C (NM_001321282.2); c.1399-1G>C (NM_001321281.2); c.1222-1G>C (NM_001321283.2); c.682-1G>C (NM_001321285.2).
Identifiers: ClinVar variation 4762587 (VCV004762587.1).

ClinVar aggregate classification (germline): Uncertain significance (1 of 4 stars; one submission).

Conditions:
Progressive familial heart block type IB (PFHB1B). Identifiers: Orphanet 871, MedGen C1970298, MONDO:0011474, OMIM 604559.

gnomAD v4.1: 1 of 1,614,162 alleles (0.000062%); highest among the groups gnomAD compares: Non-Finnish European, 0.000085%; no homozygotes.

Submission:

Labcorp Genetics (formerly Invitae), Labcorp
Classification: Uncertain significance for Progressive familial heart block type IB. Last evaluated: 2026-01-11. Review status: criteria provided, single submitter. Criteria: Invitae Variant Classification Sherloc (09022015). Collection method: clinical testing. Allele origin: germline.
Comment: This sequence change affects an acceptor splice site in intron 12 of the TRPM4 gene. It is expected to disrupt RNA splicing. Variants that disrupt the donor or acceptor splice site typically lead to a loss of protein function (PMID: 16199547), however the current clinical and genetic evidence is not sufficient to establish whether loss-of-function variants in TRPM4 cause disease. This variant is present in population databases (no rsID available, gnomAD 0.0009%). This variant has not been reported in the literature in individuals affected with TRPM4-related conditions. Algorithms developed to predict the effect of sequence changes on RNA splicing suggest that this variant may disrupt the consensus splice site. In summary, the available evidence is currently insufficient to determine the role of this variant in disease. Therefore, it has been classified as a Variant of Uncertain Significance.

Literature cited by the submitters: PubMed 16199547.